The following is an entry in ClinVar:

NM_004523.4(KIF11):c.2299T>G (p.Phe767Val)

Gene: KIF11 (kinesin family member 11; plus strand). Cytogenetic location: 10q23.33.
Variant type: single nucleotide variant.
Coding change: c.2299T>G on transcript NM_004523.4 (MANE Select); coding-DNA position 2299, T replaced by G.
Protein change: p.Phe767Val; replaces phenylalanine 767 with valine.
Molecular consequence: missense variant.
Genome position (GRCh38, 1-based): chr10:92,645,394, T>G. VCF-style: chr10-92645394-T-G. GRCh37 (hg19) VCF-style: chr10-94405151-T-G.
Other names: short protein forms F767V.
Identifiers: ClinVar variation 4849023 (VCV004849023.1).

ClinVar aggregate classification (germline): Uncertain significance (1 of 4 stars; one submission).

Submission:

Women's Health and Genetics/Laboratory Corporation of America, LabCorp
Classification: Uncertain significance. Last evaluated: 2026-04-27. Review status: criteria provided, single submitter. Criteria: LabCorp Variant Classification Summary - May 2015. Collection method: clinical testing. Allele origin: germline.
Comment: Variant summary: KIF11 c.2299T>G (p.Phe767Val) results in a non-conservative amino acid change in the encoded protein sequence. Algorithms developed to predict the effect of missense changes on protein structure and function are either unavailable or do not agree on the potential impact of this missense change. The variant was absent in 250296 control chromosomes. The available data on variant occurrences in the general population are insufficient to allow any conclusion about variant significance. To our knowledge, no occurrence of c.2299T>G in individuals affected with KIF11-related conditions and no experimental evidence demonstrating its impact on protein function have been reported. No submitters have cited clinical-significance assessments for this variant to ClinVar. Based on the evidence outlined above, the variant was classified as uncertain significance.